The following is an entry in ClinVar:

ClinVar aggregate classification (germline): Uncertain significance (1 of 4 stars; one submission).

Submission:

Labcorp Genetics (formerly Invitae), Labcorp
Classification: Uncertain significance. Last evaluated: 2022-05-05. Review status: criteria provided, single submitter. Criteria: Invitae Variant Classification Sherloc (09022015). Collection method: clinical testing. Allele origin: germline.
Comment: Algorithms developed to predict the effect of missense changes on protein structure and function (SIFT, PolyPhen-2, Align-GVGD) all suggest that this variant is likely to be disruptive. In summary, the available evidence is currently insufficient to determine the role of this variant in disease. Therefore, it has been classified as a Variant of Uncertain Significance. This sequence change replaces serine, which is neutral and polar, with arginine, which is basic and polar, at codon 70 of the FOXL2 protein (p.Ser70Arg). This variant is not present in population databases (gnomAD no frequency). This variant has not been reported in the literature in individuals affected with FOXL2-related conditions.

NM_023067.4(FOXL2):c.210C>G (p.Ser70Arg)

Gene: FOXL2 (forkhead box L2; minus strand). Cytogenetic location: 3q22.3.
Variant type: single nucleotide variant.
Coding change: c.210C>G on transcript NM_023067.4 (MANE Select); coding-DNA position 210, C replaced by G.
Protein change: p.Ser70Arg; replaces serine 70 with arginine.
Molecular consequence: missense variant.
Genome position (GRCh38, 1-based): chr3:138,946,513, G>C on the plus strand (C>G on the coding strand, the complement: FOXL2 is on the minus strand). VCF-style: chr3-138946513-G-C. GRCh37 (hg19) VCF-style: chr3-138665355-G-C.
Other names: short protein forms S70R.
Identifiers: ClinVar variation 2134407 (VCV002134407.4), dbSNP rs2107744863, ClinGen allele CA354707318.
Genomic context (GRCh38, chr3:138,946,513, plus strand): 5'-GAACGGGAACTTCGCGATGATGTACTGGTAGATGCCGGACAGCGTGAGCCTCTTCTCCGC[G>C]CTCTCGCGGATCGCCATGGCGATGAGCGCCACGTACGAGTACGGGGGCTTCTGCGCCGGG-3'
Protein context (NP_075555.1, residues 60-80): VALIAMAIRE[Ser70Arg]AEKRLTLSGI